The following is an entry in ClinVar:

ClinVar aggregate classification (germline): Benign/Likely benign. Review status: criteria provided, multiple submitters, no conflicts (2 of 4 stars). 8 submissions from 6 submitters: Benign (7); Likely benign (1). Last evaluated 2026-02-04.

Conditions:
Neutrophil immunodeficiency syndrome. Also called: Immunodeficiency 73A with defective neutrophil chemotaxis and leukocytosis. Identifiers: Orphanet 183707, MedGen C1842398, MONDO:0011988, OMIM 608203.
Immunodeficiency 73b with defective neutrophil chemotaxis and lymphopenia. Identifiers: MedGen C5436549, MONDO:0033554, OMIM 618986.
Immunodeficiency 73c with defective neutrophil chemotaxis and hypogammaglobulinemia. Identifiers: MedGen C5436550, MONDO:0033555, OMIM 618987.

Submissions (8):

Labcorp Genetics (formerly Invitae), Labcorp
Classification: Benign for Neutrophil immunodeficiency syndrome. Last evaluated: 2026-02-04. Review status: criteria provided, single submitter. Criteria: Invitae Variant Classification Sherloc (09022015). Collection method: clinical testing. Allele origin: germline.

Women's Health and Genetics/Laboratory Corporation of America, LabCorp
Classification: Benign. Last evaluated: 2026-01-21. Review status: criteria provided, single submitter. Criteria: LabCorp Variant Classification Summary - May 2015. Collection method: clinical testing. Allele origin: germline.

Blueprint Genetics
Classification: Likely benign. Last evaluated: 2024-11-28. Review status: criteria provided, single submitter. Criteria: ACMG Guidelines, 2015. Collection method: clinical testing. Allele origin: germline.

Unidad de Genómica Garrahan, Hospital de Pediatría Garrahan
Classification: Benign. Last evaluated: 2024-01-24. Review status: criteria provided, single submitter. Criteria: ACMG Guidelines, 2015. Collection method: clinical testing. Allele origin: germline. Affected: no. Observed: 50 variant alleles.
Comment: This variant is classified as Benign based on local population frequency. This variant was detected in 53% of patients studied by a panel of primary immunodeficiencies. Number of patients: 50. Only high quality variants are reported.

Genome-Nilou Lab
Classification: Benign for Immunodeficiency 73c with defective neutrophil chemotaxis and hypogammaglobulinemia. Last evaluated: 2021-11-07. Review status: criteria provided, single submitter. Criteria: ACMG Guidelines, 2015. Collection method: clinical testing. Allele origin: germline. Affected: no.

Genome-Nilou Lab
Classification: Benign for Neutrophil immunodeficiency syndrome. Last evaluated: 2021-11-07. Review status: criteria provided, single submitter. Criteria: ACMG Guidelines, 2015. Collection method: clinical testing. Allele origin: germline. Affected: no.

Genome-Nilou Lab
Classification: Benign for Immunodeficiency 73b with defective neutrophil chemotaxis and lymphopenia. Last evaluated: 2021-11-07. Review status: criteria provided, single submitter. Criteria: ACMG Guidelines, 2015. Collection method: clinical testing. Allele origin: germline. Affected: no.

GeneDx
Classification: Benign. Last evaluated: 2015-03-03. Review status: criteria provided, single submitter. Criteria: GeneDx Variant Classification Process June 2021. Collection method: clinical testing. Allele origin: germline. Affected: yes.

NM_002872.5(RAC2):c.226-21dup

Gene: RAC2 (Rac family small GTPase 2; minus strand). Cytogenetic location: 22q13.1.
Variant type: Duplication.
Coding change: c.226-21dup on transcript NM_002872.5 (MANE Select); 21 bases into the intron before coding-DNA position 226, one base duplicated (C; older notation c.226-21dupC).
Molecular consequence: intron variant.
Genome position (GRCh38, 1-based): chr22:37,232,014, G duplicated on the plus strand (C on the coding strand, the reverse complement: RAC2 is on the minus strand); the first of 2 consecutive G bases (chr22:37,232,014-37,232,015); duplicating either gives the same sequence. VCF-style (leftmost placement, unchanged base first): chr22-37232013-A-AG. GRCh37 (hg19) VCF-style: chr22-37628053-A-AG.
Other names: c.226-20dupC (NM_002872.5); c.226-20dup (NM_002872.5).
Identifiers: ClinVar variation 1164430 (VCV001164430.18), dbSNP rs11374583, ClinGen allele CA10217566.